The following is an entry in ClinVar:

NM_001040142.2(SCN2A):c.2020A>G (p.Thr674Ala)

Gene: SCN2A (sodium voltage-gated channel alpha subunit 2; plus strand). Cytogenetic location: 2q24.3.
Variant type: single nucleotide variant.
Coding change: c.2020A>G on transcript NM_001040142.2 (MANE Select); coding-DNA position 2020, A replaced by G.
Protein change: p.Thr674Ala; replaces threonine 674 with alanine.
Molecular consequence: missense variant.
Genome position (GRCh38, 1-based): chr2:165,326,855, A>G. VCF-style: chr2-165326855-A-G. GRCh37 (hg19) VCF-style: chr2-166183365-A-G.
Other names: c.2020A>G, p.Thr674Ala (NM_001040143.2, NM_001371246.1, NM_001371247.1 and 1 more transcripts); short protein forms T674A.
Identifiers: ClinVar variation 1187363 (VCV001187363.7), dbSNP rs1360867886, ClinGen allele CA349028905.
Genomic context (GRCh38, chr2:165,326,855, plus strand): 5'-TTTGGGCTTTGCTGCTTTCAAAAATAGTGGTTATTTCATCTGAAATTCTACTTCTAGGGC[A>G]CAACTACTGAAACAGAAATAAGAAAGAGACGGTCCAGTTCTTATCATGTTTCCATGGATT-3'
Protein context (NP_001035232.1, residues 664-684): TSAGQLLPEG[Thr674Ala]TTETEIRKRR

ClinVar aggregate classification (germline): Uncertain significance. Review status: criteria provided, multiple submitters, no conflicts (2 of 4 stars). 2 submissions from 2 submitters: Uncertain significance (2). Last evaluated 2025-07-14.

Conditions:
Developmental and epileptic encephalopathy, 11 (DEE11). Also called: Early infantile epileptic encephalopathy 11. Identifiers: Orphanet 1934, MedGen C3150987, MONDO:0013388, OMIM 613721.
Seizures, benign familial infantile, 3 (BFIS3). Also called: CONVULSIONS, BENIGN FAMILIAL INFANTILE, 3; Familial neonatal seizures. Identifiers: Orphanet 140927, Orphanet 306, MedGen C1843140, MONDO:0011904, OMIM 607745.

Submissions (2):

Labcorp Genetics (formerly Invitae), Labcorp
Classification: Uncertain significance for Seizures, benign familial infantile, 3; Developmental and epileptic encephalopathy, 11. Last evaluated: 2025-07-14. Review status: criteria provided, single submitter. Criteria: Invitae Variant Classification Sherloc (09022015). Collection method: clinical testing. Allele origin: germline.
Comment: This sequence change replaces threonine, which is neutral and polar, with alanine, which is neutral and non-polar, at codon 674 of the SCN2A protein (p.Thr674Ala). This variant is not present in population databases (gnomAD no frequency). This variant has not been reported in the literature in individuals affected with SCN2A-related conditions. ClinVar contains an entry for this variant (Variation ID: 1187363). Invitae Evidence Modeling of protein sequence and biophysical properties (such as structural, functional, and spatial information, amino acid conservation, physicochemical variation, residue mobility, and thermodynamic stability) has been performed for this missense variant. However, the output from this modeling did not meet the statistical confidence thresholds required to predict the impact of this variant on SCN2A protein function. In summary, the available evidence is currently insufficient to determine the role of this variant in disease. Therefore, it has been classified as a Variant of Uncertain Significance.

GeneDx
Classification: Uncertain significance. Last evaluated: 2019-12-26. Review status: criteria provided, single submitter. Criteria: GeneDx Variant Classification Process June 2021. Collection method: clinical testing. Allele origin: germline. Affected: yes.
Comment: Not observed in large population cohorts (Lek et al., 2016); The majority of missense variants in this gene are considered pathogenic (Stenson et al., 2014); In silico analysis, which includes protein predictors and evolutionary conservation, supports a deleterious effect; Has not been previously published as pathogenic or benign to our knowledge